The following is an entry in ClinVar:

NM_000540.3(RYR1):c.3477T>G (p.Ile1159Met)

Gene: RYR1 (ryanodine receptor 1; plus strand). Cytogenetic location: 19q13.2.
Variant type: single nucleotide variant.
Coding change: c.3477T>G on transcript NM_000540.3 (MANE Select); coding-DNA position 3477, T replaced by G.
Protein change: p.Ile1159Met; replaces isoleucine 1159 with methionine.
Molecular consequence: missense variant.
Genome position (GRCh38, 1-based): chr19:38,469,061, T>G. VCF-style: chr19-38469061-T-G. GRCh37 (hg19) VCF-style: chr19-38959701-T-G.
Other names: c.3477T>G, p.Ile1159Met (NM_001042723.2); short protein forms I1159M.
Identifiers: ClinVar variation 2892132 (VCV002892132.3), dbSNP rs1345201599, ClinGen allele CA405638602.
Genomic context (GRCh38, chr19:38,469,061, plus strand): 5'-GCGCCCCTGGCAGCCGGGCGATGTCGTTGGCTGTATGATCGACCTCACAGAGAACACCAT[T>G]ATCTTCACCCTCAATGGCGAGGTCCTCATGTCTGACTCAGGCTCCGAAACAGCCTTCCGG-3'
Protein context (NP_000531.2, residues 1149-1169): GCMIDLTENT[Ile1159Met]IFTLNGEVLM

ClinVar aggregate classification (germline): Uncertain significance. Review status: criteria provided, multiple submitters, no conflicts (2 of 4 stars). 2 submissions from 2 submitters: Uncertain significance (2). Last evaluated 2023-07-06.

Conditions:
Malignant hyperthermia, susceptibility to, 1 (MHS1). Also called: Anesthesia related hyperthermia; Malignant hyperpyrexia; Fulminating hyperpyrexia; Pharmacogenic myopathy; RYR1-Related Malignant Hyperthermia Susceptibility; Malignant hyperthermia suceptibility 1. Identifiers: Orphanet 423, MedGen C2930980, MONDO:0007783, OMIM 145600.
RYR1-related disorder. Also called: RYR1-related disorders; RYR1-related condition. Identifiers: MedGen CN239331.

Allele frequency attached by ClinVar (database versions not stated): gnomAD 0.00001; TOPMed 0.00001.
gnomAD v4.1: 3 of 1,614,034 alleles (0.00019%); highest among the groups gnomAD compares: Admixed American, 0.0033%; no homozygotes.

Submissions (2):

Labcorp Genetics (formerly Invitae), Labcorp
Classification: Uncertain significance for RYR1-related disorder. Last evaluated: 2023-07-06. Review status: criteria provided, single submitter. Criteria: Invitae Variant Classification Sherloc (09022015). Collection method: clinical testing. Allele origin: germline.
Comment: In summary, the available evidence is currently insufficient to determine the role of this variant in disease. Therefore, it has been classified as a Variant of Uncertain Significance. Advanced modeling of protein sequence and biophysical properties (such as structural, functional, and spatial information, amino acid conservation, physicochemical variation, residue mobility, and thermodynamic stability) performed at Invitae indicates that this missense variant is not expected to disrupt RYR1 protein function. This variant has not been reported in the literature in individuals affected with RYR1-related conditions. This variant is present in population databases (no rsID available, gnomAD 0.003%). This sequence change replaces isoleucine, which is neutral and non-polar, with methionine, which is neutral and non-polar, at codon 1159 of the RYR1 protein (p.Ile1159Met).

All of Us Research Program, National Institutes of Health
Classification: Uncertain significance for Malignant hyperthermia, susceptibility to, 1. Last evaluated: 2023-04-27. Review status: criteria provided, single submitter. Criteria: ACMG Guidelines, 2015. Collection method: clinical testing. Allele origin: germline. Inheritance: Autosomal dominant inheritance. Observed: 1 variant allele, 1 heterozygote.
Comment: This study involves interpretation of variants in research participants for the purpose of population health screening. Participant phenotype was not available at the time of variant classification. Additional details can be found in publication PMID: 35346344, PMCID: PMC8962531